The following is an entry in ClinVar:

NM_000392.5(ABCC2):c.2914C>T (p.Gln972Ter)

Gene: ABCC2 (ATP binding cassette subfamily C member 2; plus strand). Cytogenetic location: 10q24.2.
Variant type: single nucleotide variant.
Coding change: c.2914C>T on transcript NM_000392.5 (MANE Select); coding-DNA position 2914, C replaced by T.
Protein change: p.Gln972Ter; replaces glutamine 972 with a stop codon.
Molecular consequence: nonsense.
Genome position (GRCh38, 1-based): chr10:99,831,641, C>T. VCF-style: chr10-99831641-C-T. GRCh37 (hg19) VCF-style: chr10-101591398-C-T.
Other names: short protein forms Q972*.
Identifiers: ClinVar variation 2790362 (VCV002790362.3), dbSNP rs776226153, ClinGen allele CA5643642.

ClinVar aggregate classification (germline): Pathogenic (1 of 4 stars; one submission).

Allele frequency attached by ClinVar (database versions not stated): gnomAD 0.00001.
gnomAD v4.1: 27 of 1,614,066 alleles (0.0017%); highest among the groups gnomAD compares: South Asian, 0.026%; 1 homozygote.

Submission:

Labcorp Genetics (formerly Invitae), Labcorp
Classification: Pathogenic. Last evaluated: 2023-06-05. Review status: criteria provided, single submitter. Criteria: Invitae Variant Classification Sherloc (09022015). Collection method: clinical testing. Allele origin: germline.
Comment: This sequence change creates a premature translational stop signal (p.Gln972*) in the ABCC2 gene. It is expected to result in an absent or disrupted protein product. Loss-of-function variants in ABCC2 are known to be pathogenic (PMID: 9185779, 16549534, 16952291). This variant is present in population databases (rs776226153, gnomAD 0.02%). This variant has not been reported in the literature in individuals affected with ABCC2-related conditions. For these reasons, this variant has been classified as Pathogenic.

Literature cited by the submitters: PubMed 9185779; PubMed 16549534; PubMed 16952291.